The following is an entry in ClinVar:

NM_001851.6(COL9A1):c.1396-891A>T

Gene: COL9A1 (collagen type IX alpha 1 chain; minus strand). Cytogenetic location: 6q13.
Variant type: single nucleotide variant.
Coding change: c.1396-891A>T on transcript NM_001851.6 (MANE Select); 891 bases into the intron before coding-DNA position 1396, A replaced by T.
Molecular consequence: intron variant.
Genome position (GRCh38, 1-based): chr6:70,261,601, T>A on the plus strand (A>T on the coding strand, the complement: COL9A1 is on the minus strand). VCF-style: chr6-70261601-T-A. GRCh37 (hg19) VCF-style: chr6-70971304-T-A.
Other names: c.667-891A>T (NM_001377290.1, NM_078485.4, NM_001377289.1).
Identifiers: ClinVar variation 3338129 (VCV003338129.1).

ClinVar aggregate classification (germline): Likely benign (0 of 4 stars; one submission).

Conditions:
Hereditary disease. Also called: Hereditary Disorder; mendelian disease. Identifiers: MedGen C0019247, MONDO:0003847.

Submission:

Joint Genome Diagnostic Labs from Nijmegen and Maastricht, Radboudumc and MUMC+
Classification: Likely benign for mendelian disease. Review status: no assertion criteria provided. Collection method: clinical testing. Allele origin: germline. Affected: yes.
Comment: Found in cis with pathogenic monoallelic variant